The following is an entry in ClinVar:

ClinVar aggregate classification (germline): Conflicting classifications of pathogenicity. Review status: criteria provided, conflicting classifications (1 of 4 stars). 9 submissions from 9 submitters: Uncertain significance (2); Likely benign (4). 3 of the submissions do not count toward it. Last evaluated 2026-06-01.

Conditions:
GH1-related disorder. Also called: GH1-related condition.
Decreased response to growth hormone stimulation test. Also called: Growth hormone deficiency. Identifiers: MedGen C5539399, HP:0000824.

Allele frequency attached by ClinVar (database versions not stated): ESP Exome Variant Server 0.00085; ExAC 0.00097; gnomAD 0.00099 and 0.00107; gnomAD exomes 0.00104 and 0.00158; TOPMed 0.00114.

Submissions (9):

CeGaT Center for Human Genetics Tuebingen
Classification: Likely benign. Last evaluated: 2026-06-01. Review status: criteria provided, single submitter. Criteria: CeGaT Center For Human Genetics Tuebingen Variant Classification Criteria Version 2. Collection method: clinical testing. Allele origin: germline. Affected: yes. Observed: 2 variant alleles.
Comment: GH1: BP4, BP7

Women's Health and Genetics/Laboratory Corporation of America, LabCorp
Classification: Likely benign. Last evaluated: 2026-05-12. Review status: criteria provided, single submitter. Criteria: LabCorp Variant Classification Summary - May 2015. Collection method: clinical testing. Allele origin: germline.

Labcorp Genetics (formerly Invitae), Labcorp
Classification: Likely benign. Last evaluated: 2026-01-25. Review status: criteria provided, single submitter. Criteria: Invitae Variant Classification Sherloc (09022015). Collection method: clinical testing. Allele origin: germline.

Blueprint Genetics
Classification: Likely benign. Last evaluated: 2024-11-18. Review status: criteria provided, single submitter. Criteria: ACMG Guidelines, 2015. Collection method: clinical testing. Allele origin: germline.

Eurofins Ntd Llc (ga)
Classification: Uncertain significance. Last evaluated: 2018-07-25. Review status: criteria provided, single submitter. Criteria: EGL ClinVar v180209 classification definitions. Collection method: clinical testing. Allele origin: germline. Observed: 2 variant alleles, 2 heterozygotes.

Illumina Laboratory Services, Illumina
Classification: Uncertain significance for Growth hormone deficiency. Last evaluated: 2018-03-30. Review status: criteria provided, single submitter. Criteria: ICSL Variant Classification Criteria 13 December 2019. Collection method: clinical testing. Allele origin: germline.

PreventionGenetics, part of Exact Sciences
Classification: Likely benign for GH1-related condition. Last evaluated: 2020-01-08. Review status: no assertion criteria provided. Collection method: clinical testing. Allele origin: germline. Not counted in ClinVar's aggregate classification.
Comment: This variant is classified as likely benign based on ACMG/AMP sequence variant interpretation guidelines (Richards et al. 2015 PMID: 25741868, with internal and published modifications).

Clinical Genetics DNA and cytogenetics Diagnostics Lab, Erasmus MC, Erasmus Medical Center
Classification: Likely benign. Review status: no assertion criteria provided. Collection method: clinical testing. Allele origin: germline. Affected: yes. Study: VKGL Data-share Consensus. Not counted in ClinVar's aggregate classification.

Laboratory of Diagnostic Genome Analysis, Leiden University Medical Center (LUMC)
Classification: Likely benign. Review status: no assertion criteria provided. Collection method: clinical testing. Allele origin: germline. Affected: yes. Study: VKGL Data-share Consensus. Not counted in ClinVar's aggregate classification.

NM_000515.5(GH1):c.15C>T (p.Ser5=)

Genes: GH-LCR (growth hormone locus control region; plus strand), GH1 (growth hormone 1; minus strand). Cytogenetic location: 17q23.3.
Variant type: single nucleotide variant.
Coding change: c.15C>T on transcript NM_000515.5 (MANE Select); coding-DNA position 15, C replaced by T.
Protein change: p.Ser5=; no amino-acid change (serine 5 retained).
Molecular consequence: synonymous variant.
Genome position (GRCh38, 1-based): chr17:63,918,502, G>A on the plus strand (C>T on the coding strand, the complement: GH1 is on the minus strand). VCF-style: chr17-63918502-G-A. GRCh37 (hg19) VCF-style: chr17-61995862-G-A.
Other names: c.15C>T, p.Ser5= (NM_022559.4, NM_022560.4).
Identifiers: ClinVar variation 595591 (VCV000595591.48), dbSNP rs111957225, ClinGen allele CA8708389.
Genomic context (GRCh38, chr17:63,918,502, plus strand): 5'-ACTGCCCTCTTGAAGCCAGGGCAGGCAGAGCAGGCCAAAAGCCAGGAGCAGGGACGTCCG[G>A]GAGCCTGGGGAGAAACCAGAGGGCAACAGAGGGAGCCGGAGAGCAAGAGGCCAGCACTCT-3'
Protein context (NP_000506.2, residues 1-15): MATG[Ser5=]RTSLLLAFGL